The following is an entry in ClinVar:

NM_000246.4(CIITA):c.3223C>T (p.Arg1075Trp)

Gene: CIITA (class II major histocompatibility complex transactivator; plus strand). Cytogenetic location: 16p13.13.
Variant type: single nucleotide variant.
Coding change: c.3223C>T on transcript NM_000246.4 (MANE Select); coding-DNA position 3223, C replaced by T.
Protein change: p.Arg1075Trp; replaces arginine 1075 with tryptophan.
Molecular consequence: missense variant. On other transcripts: non-coding transcript variant (1).
Genome position (GRCh38, 1-based): chr16:10,922,240, C>T. VCF-style: chr16-10922240-C-T. GRCh37 (hg19) VCF-style: chr16-11016097-C-T.
Other names: c.3226C>T, p.Arg1076Trp (NM_001286402.1, NM_001379332.1); c.1471C>T, p.Arg491Trp (NM_001286403.2); c.3079C>T, p.Arg1027Trp (NM_001379330.1); c.3076C>T, p.Arg1026Trp (NM_001379331.1); c.3223C>T, p.Arg1075Trp (NM_001379333.1); c.3154C>T, p.Arg1052Trp (NM_001379334.1); short protein forms R1052W, R1026W, R1075W, R1027W, R1076W, R491W.
Identifiers: ClinVar variation 1906513 (VCV001906513.4), dbSNP rs141713994, ClinGen allele CA277691307.
Genomic context (GRCh38, chr16:10,922,240, plus strand): 5'-TGCATCTGCGACGTGGGAGCCGAGAGCTTGGCTCGTGTGCTTCCGGACATGGTGTCCCTC[C>T]GGGTGATGGAGTGAGTGTGGGAGTCTGGGCGGTGGGTGGCTCAGCCCGGGGTGGGAGACA-3'
Protein context (NP_000237.2, residues 1065-1085): ARVLPDMVSL[Arg1075Trp]VMDVQYNKFT

ClinVar aggregate classification (germline): Uncertain significance (1 of 4 stars; one submission).

Conditions:
MHC class II deficiency. Also called: Bare lymphocyte syndrome 2; BLS, TYPE II. Identifiers: Orphanet 572, MedGen C5447452, MONDO:0008855.

Allele frequency attached by ClinVar (database versions not stated): gnomAD exomes below 0.00001; TOPMed 0.00001; ESP Exome Variant Server 0.00008.
gnomAD v4.1: 3 of 1,614,178 alleles (0.00019%); highest among the groups gnomAD compares: Non-Finnish European, 0.00025%; no homozygotes.

Submission:

Labcorp Genetics (formerly Invitae), Labcorp
Classification: Uncertain significance for MHC class II deficiency. Last evaluated: 2024-11-11. Review status: criteria provided, single submitter. Criteria: Invitae Variant Classification Sherloc (09022015). Collection method: clinical testing. Allele origin: germline.
Comment: This sequence change replaces arginine, which is basic and polar, with tryptophan, which is neutral and slightly polar, at codon 1075 of the CIITA protein (p.Arg1075Trp). This variant is not present in population databases (gnomAD no frequency). This missense change has been observed in individual(s) with clinical features of Bare lymphocyte syndrome type II (PMID: 29095814, 33386785). In at least one individual the data is consistent with being in trans (on the opposite chromosome) from a pathogenic variant. ClinVar contains an entry for this variant (Variation ID: 1906513). An algorithm developed to predict the effect of missense changes on protein structure and function (PolyPhen-2) suggests that this variant is likely to be disruptive. In summary, the available evidence is currently insufficient to determine the role of this variant in disease. Therefore, it has been classified as a Variant of Uncertain Significance.

Literature cited by the submitters: PubMed 29095814; PubMed 33386785.